The following is an entry in ClinVar:

NM_001379286.1(ZNF423):c.1117G>A (p.Ala373Thr)

Gene: ZNF423 (zinc finger protein 423; minus strand). Cytogenetic location: 16q12.1.
Variant type: single nucleotide variant.
Coding change: c.1117G>A on transcript NM_001379286.1 (MANE Select); coding-DNA position 1117, G replaced by A.
Protein change: p.Ala373Thr; replaces alanine 373 with threonine.
Molecular consequence: missense variant.
Genome position (GRCh38, 1-based): chr16:49,638,059, C>T on the plus strand (G>A on the coding strand, the complement: ZNF423 is on the minus strand). VCF-style: chr16-49638059-C-T. GRCh37 (hg19) VCF-style: chr16-49671970-C-T.
Other names: c.913G>A, p.Ala305Thr (NM_001271620.2); c.742G>A, p.Ala248Thr (NM_001330533.2); c.1093G>A, p.Ala365Thr (NM_015069.5); short protein forms A373T, A248T, A305T, A365T.
Identifiers: ClinVar variation 1956775 (VCV001956775.5), dbSNP rs749052902, ClinGen allele CA395850287.
Genomic context (GRCh38, chr16:49,638,059, plus strand): 5'-CCGGGGTGGAGCCACGCTCCACAGAGGCGCTGGAGTCGGGTGTGGCGCTGCTCATGGAGG[C>T]CACGCTGCCCAGTACAGGGTCGGGACTGACACTGTGGTTGCTGGAGTCGGGCTGCCGGTG-3'
Protein context (NP_001366215.1, residues 363-383): VSPDPVLGSV[Ala373Thr]SMSSATPDSS

ClinVar aggregate classification (germline): Uncertain significance (1 of 4 stars; one submission).

Conditions:
Nephronophthisis 14 (NPHP14). Identifiers: Orphanet 2318, MedGen C3539071, MONDO:0013916, OMIM 614844.

Submission:

Labcorp Genetics (formerly Invitae), Labcorp
Classification: Uncertain significance for Nephronophthisis 14. Last evaluated: 2021-12-06. Review status: criteria provided, single submitter. Criteria: Invitae Variant Classification Sherloc (09022015). Collection method: clinical testing. Allele origin: germline.
Comment: In summary, the available evidence is currently insufficient to determine the role of this variant in disease. Therefore, it has been classified as a Variant of Uncertain Significance. Algorithms developed to predict the effect of missense changes on protein structure and function (SIFT, PolyPhen-2, Align-GVGD) all suggest that this variant is likely to be tolerated. This variant has not been reported in the literature in individuals affected with ZNF423-related conditions. This variant is not present in population databases (gnomAD no frequency). This sequence change replaces alanine, which is neutral and non-polar, with threonine, which is neutral and polar, at codon 365 of the ZNF423 protein (p.Ala365Thr).